The following is an entry in ClinVar:

ClinVar aggregate classification (germline): Uncertain significance (1 of 4 stars; one submission).

gnomAD v4.1: 1 of 1,613,400 alleles (0.000062%); highest among the groups gnomAD compares: Non-Finnish European, 0.000085%; no homozygotes.

Submission:

GeneDx
Classification: Uncertain significance. Last evaluated: 2026-02-12. Review status: criteria provided, single submitter. Criteria: GeneDx Variant Classification Process June 2021. Collection method: clinical testing. Allele origin: germline.
Comment: Not observed at significant frequency in large population cohorts (gnomAD); Missense variant in a gene in which most reported pathogenic variants are truncating/loss of function; Has not been previously published as pathogenic or benign to our knowledge

NM_001267550.2(TTN):c.84569A>C (p.His28190Pro)

Genes: TTN (titin; minus strand), TTN-AS1 (TTN antisense RNA 1; plus strand). Cytogenetic location: 2q31.2.
Variant type: single nucleotide variant.
Coding change: c.84569A>C on transcript NM_001267550.2 (MANE Select); coding-DNA position 84569, A replaced by C.
Protein change: p.His28190Pro; replaces histidine 28190 with proline.
Molecular consequence: missense variant.
Genome position (GRCh38, 1-based): chr2:178,561,563, T>G on the plus strand (A>C on the coding strand, the complement: TTN is on the minus strand). VCF-style: chr2-178561563-T-G. GRCh37 (hg19) VCF-style: chr2-179426290-T-G.
Other names: c.79646A>C, p.His26549Pro (NM_001256850.1); c.57374A>C, p.His19125Pro (NM_003319.4); c.76865A>C, p.His25622Pro (NM_133378.4); c.57749A>C, p.His19250Pro (NM_133432.3); c.57950A>C, p.His19317Pro (NM_133437.4); short protein forms H19125P, H19250P, H19317P, H25622P, H26549P, H28190P.
Identifiers: ClinVar variation 4976093 (VCV004976093.1).